The following is an entry in ClinVar:

ClinVar aggregate classification (germline): Pathogenic (1 of 4 stars; one submission).

Conditions:
Episodic ataxia type 2 (EA2). Also called: EPISODIC ATAXIA, NYSTAGMUS-ASSOCIATED; ATAXIA, EPISODIC, WITH NYSTAGMUS; ATAXIA, FAMILIAL PAROXYSMAL; CEREBELLAR ATAXIA, PAROXYSMAL, ACETAZOLAMIDE-RESPONSIVE; CEREBELLOPATHY, HEREDITARY PAROXYSMAL; ACETAZOLAMIDE-RESPONSIVE HEREDITARY PAROXYSMAL CEREBELLAR ATAXIA. Identifiers: Orphanet 97, MedGen C1720416, MONDO:0007163, OMIM 108500.
Developmental and epileptic encephalopathy, 42 (DEE42A). Also called: Epileptic encephalopathy, early infantile, 42; DEVELOPMENTAL AND EPILEPTIC ENCEPHALOPATHY 42A; EPILEPTIC ENCEPHALOPATHY, EARLY INFANTILE, 42A. Identifiers: MedGen C4310716, MONDO:0014917, OMIM 617106.

Submission:

Labcorp Genetics (formerly Invitae), Labcorp
Classification: Pathogenic for Developmental and epileptic encephalopathy, 42; Episodic ataxia type 2. Last evaluated: 2017-10-28. Review status: criteria provided, single submitter. Criteria: Invitae Variant Classification Sherloc (09022015). Collection method: clinical testing. Allele origin: germline.
Comment: This sequence change creates a premature translational stop signal (p.Glu920*) in the CACNA1A gene. It is expected to result in an absent or disrupted protein product. This variant is not present in population databases (ExAC no frequency). This variant has not been reported in the literature in individuals with CACNA1A-related disease. Loss-of-function variants in CACNA1A are known to be pathogenic (PMID: 10371528, 19486177, 25735478, 27250579). For these reasons, this variant has been classified as Pathogenic.

Literature cited by the submitters: PubMed 10371528; PubMed 19486177; PubMed 25735478; PubMed 27250579.

NM_001127222.2(CACNA1A):c.2755G>T (p.Glu919Ter)

Gene: CACNA1A (calcium voltage-gated channel subunit alpha1 A; minus strand). Cytogenetic location: 19p13.13.
Variant type: single nucleotide variant.
Coding change: c.2755G>T on transcript NM_001127222.2 (MANE Select); coding-DNA position 2755, G replaced by T.
Protein change: p.Glu919Ter; replaces glutamic acid 919 with a stop codon.
Molecular consequence: nonsense.
Genome position (GRCh38, 1-based): chr19:13,298,878, C>A on the plus strand (G>T on the coding strand, the complement: CACNA1A is on the minus strand). VCF-style: chr19-13298878-C-A. GRCh37 (hg19) VCF-style: chr19-13409692-C-A.
Other names: c.2767G>T, p.Glu923Ter (NM_000068.4, NM_023035.3); c.2758G>T, p.Glu920Ter (NM_001127221.2, NM_001174080.2); short protein forms E920*, E919*, E923*.
Identifiers: ClinVar variation 542828 (VCV000542828.7), dbSNP rs1555756130, ClinGen allele CA404342778.